The following is an entry in ClinVar:

NM_006158.5(NEFL):c.598G>C (p.Asp200His)

Gene: NEFL (neurofilament light chain; minus strand). Cytogenetic location: 8p21.2.
Variant type: single nucleotide variant.
Coding change: c.598G>C on transcript NM_006158.5 (MANE Select); coding-DNA position 598, G replaced by C.
Protein change: p.Asp200His; replaces aspartic acid 200 with histidine.
Molecular consequence: missense variant.
Genome position (GRCh38, 1-based): chr8:24,955,918, C>G on the plus strand (G>C on the coding strand, the complement: NEFL is on the minus strand). VCF-style: chr8-24955918-C-G. GRCh37 (hg19) VCF-style: chr8-24813432-C-G.
Other names: c.598G>C (NM_006158.3); short protein forms D200H.
Identifiers: ClinVar variation 640180 (VCV000640180.5), dbSNP rs1312229375, ClinGen allele CA370622047.

ClinVar aggregate classification (germline): Uncertain significance. Review status: criteria provided, multiple submitters, no conflicts (2 of 4 stars). 2 submissions from 2 submitters: Uncertain significance (2). Last evaluated 2026-07-28.

Conditions:
Charcot-Marie-Tooth disease type 2E (CMT2E). Also called: CHARCOT-MARIE-TOOTH DISEASE, AXONAL, TYPE 2E; CHARCOT-MARIE-TOOTH NEUROPATHY, TYPE 2E. Identifiers: Orphanet 99939, MedGen C1843225, MONDO:0011894, OMIM 607684.
Inborn genetic diseases. Identifiers: MedGen C0950123, MeSH D030342.

Submissions (2):

Ambry Genetics
Classification: Uncertain significance for Inborn genetic diseases. Last evaluated: 2026-07-28. Review status: criteria provided, single submitter. Criteria: Ambry Variant Classification Scheme 2023. Collection method: clinical testing. Allele origin: germline.

Labcorp Genetics (formerly Invitae), Labcorp
Classification: Uncertain significance for Charcot-Marie-Tooth disease type 2E. Last evaluated: 2018-08-20. Review status: criteria provided, single submitter. Criteria: Invitae Variant Classification Sherloc (09022015). Collection method: clinical testing. Allele origin: germline.
Comment: In summary, the available evidence is currently insufficient to determine the role of this variant in disease. Therefore, it has been classified as a Variant of Uncertain Significance. Algorithms developed to predict the effect of missense changes on protein structure and function are either unavailable or do not agree on the potential impact of this missense change (SIFT: "Deleterious"; PolyPhen-2: "Not Available; Align-GVGD: "Class C65"). This variant has not been reported in the literature in individuals with NEFL-related disease. This variant is not present in population databases (ExAC no frequency). This sequence change replaces asparagine with histidine at codon 200 of the NEFL protein (p.Asp200His). The asparagine residue is highly conserved and there is a moderate physicochemical difference between asparagine and histidine.